The following is an entry in ClinVar:

NM_001355436.2(SPTB):c.149-25C>A

Gene: SPTB (spectrin beta, erythrocytic; minus strand). Cytogenetic location: 14q23.3.
Variant type: single nucleotide variant.
Coding change: c.149-25C>A on transcript NM_001355436.2 (MANE Select); 25 bases into the intron before coding-DNA position 149, C replaced by A.
Molecular consequence: intron variant.
Genome position (GRCh38, 1-based): chr14:64,805,115, G>T on the plus strand (C>A on the coding strand, the complement: SPTB is on the minus strand). VCF-style: chr14-64805115-G-T. GRCh37 (hg19) VCF-style: chr14-65271833-G-T.
Other names: p.?; c.149-25C>A (NM_001024858.4, NM_001355437.2).
Identifiers: ClinVar variation 4683887 (VCV004683887.1).

ClinVar aggregate classification (germline): Likely benign (1 of 4 stars; one submission).

Submission:

Mayo Clinic Laboratories, Mayo Clinic
Classification: Likely benign. Last evaluated: 2025-09-23. Review status: criteria provided, single submitter. Criteria: ACMG Guidelines, 2015. Collection method: clinical testing. Allele origin: germline. Observed: 1 variant allele.
Comment: BP4, BP7, PM2_supporting